The following is an entry in ClinVar:

ClinVar aggregate classification (germline): Uncertain significance (1 of 4 stars; one submission).

Conditions:
Hereditary cancer-predisposing syndrome. Also called: Neoplastic Syndromes, Hereditary; Tumor predisposition; Hereditary neoplastic syndrome; Hereditary Cancer Syndrome. Identifiers: Orphanet 140162, MedGen C0027672, MeSH D009386, MONDO:0015356.

Submission:

Ambry Genetics
Classification: Uncertain significance for Hereditary cancer-predisposing syndrome. Last evaluated: 2026-08-21. Review status: criteria provided, single submitter. Criteria: Ambry Variant Classification Scheme 2023. Collection method: clinical testing. Allele origin: germline.
Comment: The c.1621_1623delACA variant (also known as p.T541del) is located in coding exon 11 of the MSH3 gene. This variant results from an in-frame ACA deletion at nucleotide positions 1621 to 1623. This results in the in-frame deletion of a threonine at codon 541. This amino acid position is well conserved in available vertebrate species. In addition, this variant is predicted to be deleterious by in silico analysis (Choi Y et al. PLoS ONE. 2012; 7(10):e46688). Based on the available evidence, the clinical significance of this variant remains unclear.

NM_002439.5(MSH3):c.1618ACA[1] (p.Thr541del)

Gene: MSH3 (mutS homolog 3; plus strand). Cytogenetic location: 5q14.1.
Variant type: Microsatellite.
Coding change: c.1618ACA[1] on transcript NM_002439.5 (MANE Select); one copy of the 3-base unit ACA starting at c.1618; the reference has two copies in a row; one copy, 3 bases deleted.
Protein change: p.Thr541del; deletes threonine 541.
Genome position (GRCh38, 1-based): chr5:80,741,516-80,741,518, ACA deleted; deleting any 3 consecutive bases within chr5:80,741,512-80,741,518 gives the same sequence; the position shown is the placement nearest the transcript's 3' end. VCF-style (leftmost placement, unchanged base first): chr5-80741511-GAAC-G. GRCh37 (hg19) VCF-style: chr5-80037330-GAAC-G.
Other names: short protein forms T541del.
Identifiers: ClinVar variation 5024825 (VCV005024825.1).